The following is an entry in ClinVar:

ClinVar aggregate classification (germline): Uncertain significance (1 of 4 stars; one submission).

Conditions:
Combined immunodeficiency due to OX40 deficiency. Also called: OX40 DEFICIENCY; Immunodeficiency 16. Identifiers: Orphanet 431149, MedGen C3810053, MONDO:0014268, OMIM 615593.

Submission:

Labcorp Genetics (formerly Invitae), Labcorp
Classification: Uncertain significance for Combined immunodeficiency due to OX40 deficiency. Last evaluated: 2024-10-28. Review status: criteria provided, single submitter. Criteria: Invitae Variant Classification Sherloc (09022015). Collection method: clinical testing. Allele origin: germline.
Comment: This sequence change affects an acceptor splice site in intron 5 of the TNFRSF4 gene. It is expected to disrupt RNA splicing. Variants that disrupt the donor or acceptor splice site typically lead to a loss of protein function (PMID: 16199547), however the current clinical and genetic evidence is not sufficient to establish whether loss-of-function variants in TNFRSF4 cause disease. This variant is not present in population databases (gnomAD no frequency). This variant has not been reported in the literature in individuals affected with TNFRSF4-related conditions. Algorithms developed to predict the effect of sequence changes on RNA splicing suggest that this variant may disrupt the consensus splice site. In summary, the available evidence is currently insufficient to determine the role of this variant in disease. Therefore, it has been classified as a Variant of Uncertain Significance.

Literature cited by the submitters: PubMed 16199547.

NM_003327.4(TNFRSF4):c.635-2A>C

Gene: TNFRSF4 (TNF receptor superfamily member 4; minus strand). Cytogenetic location: 1p36.33.
Variant type: single nucleotide variant.
Coding change: c.635-2A>C on transcript NM_003327.4 (MANE Select); the canonical splice acceptor site of the intron before coding-DNA position 635, A replaced by C.
Molecular consequence: splice acceptor variant.
Genome position (GRCh38, 1-based): chr1:1,211,834, T>G on the plus strand (A>C on the coding strand, the complement: TNFRSF4 is on the minus strand). VCF-style: chr1-1211834-T-G. GRCh37 (hg19) VCF-style: chr1-1147214-T-G.
Other names: c.635-2A>C (NM_001410709.1).
Identifiers: ClinVar variation 3631668 (VCV003631668.2).